The following is an entry in ClinVar:

NM_000079.4(CHRNA1):c.13C>T (p.Pro5Ser)

Gene: CHRNA1 (cholinergic receptor nicotinic alpha 1 subunit; minus strand). Cytogenetic location: 2q31.1.
Variant type: single nucleotide variant.
Coding change: c.13C>T on transcript NM_000079.4 (MANE Select); coding-DNA position 13, C replaced by T.
Protein change: p.Pro5Ser; replaces proline 5 with serine.
Molecular consequence: missense variant.
Genome position (GRCh38, 1-based): chr2:174,764,382, G>A on the plus strand (C>T on the coding strand, the complement: CHRNA1 is on the minus strand). VCF-style: chr2-174764382-G-A. GRCh37 (hg19) VCF-style: chr2-175629110-G-A.
Other names: c.13C>T, p.Pro5Ser (NM_001039523.3); short protein forms P5S.
Identifiers: ClinVar variation 534532 (VCV000534532.11), dbSNP rs567683036, ClinGen allele CA60861368.
Genomic context (GRCh38, chr2:174,764,382, plus strand): 5'-CCTCTCCCCACCCCTGACCCCAGCACTTACCTGAGCAAAGGCTAAAGAGCAGGAGGAGAG[G>A]CCAGGGCTCCATGGGCTACCGGAGCTTGTGTGGACCAGGGCAGAGTGGTGGCCTGTGCTT-3'
Protein context (NP_000070.1, residues 1-15): MEPW[Pro5Ser]LLLLFSLCSA

ClinVar aggregate classification (germline): Uncertain significance. Review status: criteria provided, multiple submitters, no conflicts (2 of 4 stars). 2 submissions from 2 submitters: Uncertain significance (2). Last evaluated 2022-07-19.

Conditions:
Lethal multiple pterygium syndrome (LMPS). Identifiers: Orphanet 33108, MedGen C1854678, MONDO:0009668, OMIM 253290.

Allele frequency attached by ClinVar (database versions not stated): TOPMed 0.00001; 1000 Genomes Project 30x 0.00016; 1000 Genomes Project 0.00020.

Submissions (2):

Labcorp Genetics (formerly Invitae), Labcorp
Classification: Uncertain significance for Lethal multiple pterygium syndrome. Last evaluated: 2022-07-19. Review status: criteria provided, single submitter. Criteria: Invitae Variant Classification Sherloc (09022015). Collection method: clinical testing. Allele origin: germline.
Comment: In summary, the available evidence is currently insufficient to determine the role of this variant in disease. Therefore, it has been classified as a Variant of Uncertain Significance. Advanced modeling of protein sequence and biophysical properties (such as structural, functional, and spatial information, amino acid conservation, physicochemical variation, residue mobility, and thermodynamic stability) performed at Invitae indicates that this missense variant is not expected to disrupt CHRNA1 protein function. ClinVar contains an entry for this variant (Variation ID: 534532). This variant has not been reported in the literature in individuals affected with CHRNA1-related conditions. This sequence change replaces proline, which is neutral and non-polar, with serine, which is neutral and polar, at codon 5 of the CHRNA1 protein (p.Pro5Ser). This variant is not present in population databases (gnomAD no frequency).

Revvity Omics, Revvity
Classification: Uncertain significance. Last evaluated: 2019-02-15. Review status: criteria provided, single submitter. Criteria: ACMG Guidelines, 2015. Collection method: clinical testing. Allele origin: germline.